The following is an entry in ClinVar:

NM_000277.3(PAH):c.242C>A (p.Thr81Asn)

Gene: PAH (phenylalanine hydroxylase; minus strand). Cytogenetic location: 12q23.2.
Variant type: single nucleotide variant.
Coding change: c.242C>A on transcript NM_000277.3 (MANE Select); coding-DNA position 242, C replaced by A.
Protein change: p.Thr81Asn; replaces threonine 81 with asparagine.
Molecular consequence: missense variant.
Genome position (GRCh38, 1-based): chr12:102,894,845, G>T on the plus strand (C>A on the coding strand, the complement: PAH is on the minus strand). VCF-style: chr12-102894845-G-T. GRCh37 (hg19) VCF-style: chr12-103288623-G-T.
Other names: NM_000277.2(PAH):c.242C>A; c.242C>A, p.Thr81Asn (NM_001354304.2); short protein forms T81N.
Identifiers: ClinVar variation 208180 (VCV000208180.9), dbSNP rs796064502, ClinGen allele CA275937.

ClinVar aggregate classification (germline): Likely pathogenic. Review status: reviewed by expert panel (3 of 4 stars). 5 submissions from 5 submitters: Likely pathogenic (1). 4 of the submissions do not count toward it. Last evaluated 2018-12-10.

Conditions:
Phenylketonuria (PKU). Also called: FOLLING DISEASE; OLIGOPHRENIA PHENYLPYRUVICA; Phenylketonurias; Phenylketonuria (PKU). Identifiers: Orphanet 716, MedGen C0031485, MONDO:0009861, OMIM 261600. Disease mechanism: loss of function.

Allele frequency attached by ClinVar (database versions not stated): gnomAD exomes below 0.00001.
gnomAD v4.1: 1 of 1,613,716 alleles (0.000062%); highest among the groups gnomAD compares: Non-Finnish European, 0.000085%; no homozygotes.

Submissions (5):

ClinGen PAH Variant Curation Expert Panel
Classification: Likely pathogenic for Phenylketonuria. Last evaluated: 2018-12-10. Review status: reviewed by expert panel. Criteria: ClinGen PAH ACMG Specifications v1. Collection method: curation. Allele origin: germline. Inheritance: Autosomal recessive inheritance.
Comment: PAH and BH4DH genes were sequenced. It was detected with p.V230I which is interpreted as Pathogenic/Likely Pathogenic in ClinVar. (PMID: 23942198) This variant is absent from ExAC, gnomAD, 1000G, and ESP. A deleterious effect is predicted in SIFT, MutationTaster, and Polyphen-2. In summary, this variant meets criteria to be classified as likely pathogenic for PAH. PAH-specific ACMG/AMP criteria applied: PM2, PP4_Moderate, PM3, PP3.

Myriad Genetics, Inc.
Classification: Uncertain significance for Phenylketonuria. Last evaluated: 2026-04-16. Review status: criteria provided, single submitter. Criteria: Myriad Autosomal Dominant, Autosomal Recessive and X-Linked Classification Criteria (2023). Collection method: clinical testing. Allele origin: unknown. Not counted in ClinVar's aggregate classification.
Comment: NM_000277.1(PAH):c.242C>A(T81N) is a missense variant classified as a variant of uncertain significance in the context of phenylalanine hydroxylase deficiency. T81N has been observed in cases with relevant disease (PMID: 23942198, Akal_2019(thesis), 35405047, Jiangqiang_2016(article)). Relevant functional assessments of this variant are not available in the literature. T81N has not been observed in referenced population frequency databases. In summary, there is insufficient evidence to classify NM_000277.1(PAH):c.242C>A(T81N) as pathogenic or benign. Please note: this variant was assessed in the context of healthy population screening.

Women's Health and Genetics/Laboratory Corporation of America, LabCorp
Classification: Likely pathogenic for Phenylketonuria. Last evaluated: 2025-05-16. Review status: criteria provided, single submitter. Criteria: LabCorp Variant Classification Summary - May 2015. Collection method: clinical testing. Allele origin: germline. Not counted in ClinVar's aggregate classification.
Comment: Variant summary: PAH c.242C>A (p.Thr81Asn) results in a non-conservative amino acid change in the encoded protein sequence. Algorithms developed to predict the effect of missense changes on protein structure and function all suggest that this variant is likely to be disruptive. The variant was absent in 251436 control chromosomes. c.242C>A has been observed in individual(s) affected with Phenylalanine Hydroxylase Deficiency (Phenylketonuria) (Trujillano_2014, internal_testing). These data indicate that the variant may be associated with disease. A different variant affecting the same codon has been classified as likely pathogenic/pathogenic by our lab (c.241A>C, p.Thr81Pro), supporting the critical relevance of codon 81 to PAH protein function. To our knowledge, no experimental evidence demonstrating an impact on protein function has been reported. The following publication have been ascertained in the context of this evaluation (PMID: 23942198). ClinVar contains an entry for this variant (Variation ID: 208180). Based on the evidence outlined above, the variant was classified as likely pathogenic.

Labcorp Genetics (formerly Invitae), Labcorp
Classification: Likely pathogenic for Phenylketonuria. Last evaluated: 2022-10-13. Review status: criteria provided, single submitter. Criteria: Invitae Variant Classification Sherloc (09022015). Collection method: clinical testing. Allele origin: germline. Not counted in ClinVar's aggregate classification.
Comment: ClinVar contains an entry for this variant (Variation ID: 208180). In summary, the currently available evidence indicates that the variant is pathogenic, but additional data are needed to prove that conclusively. Therefore, this variant has been classified as Likely Pathogenic. This variant disrupts the p.Thr81 amino acid residue in PAH. Other variant(s) that disrupt this residue have been determined to be pathogenic (PMID: 8659548, 23430918). This suggests that this residue is clinically significant, and that variants that disrupt this residue are likely to be disease-causing. Advanced modeling of protein sequence and biophysical properties (such as structural, functional, and spatial information, amino acid conservation, physicochemical variation, residue mobility, and thermodynamic stability) performed at Invitae indicates that this missense variant is not expected to disrupt PAH protein function. This missense change has been observed in individual(s) with clinical features of hyperphenylalaninemia (PMID: 23942198; Invitae). This variant is not present in population databases (gnomAD no frequency). This sequence change replaces threonine, which is neutral and polar, with asparagine, which is neutral and polar, at codon 81 of the PAH protein (p.Thr81Asn).

Inserm U 954, Faculté de Médecine de Nancy
Classification: Likely pathogenic. Review status: no assertion criteria provided. Collection method: not provided. Allele origin: unknown. Not counted in ClinVar's aggregate classification.
Comment: PKU
ClinVar note: Converted during submission from probable-pathogenic to Likely pathogenic.

Literature cited by the submitters: PubMed 23942198 (cited by 3 submitters); PubMed 8659548 (cited by Labcorp Genetics (formerly Invitae), Labcorp); PubMed 23430918 (cited by Labcorp Genetics (formerly Invitae), Labcorp).